The following is an entry in ClinVar:

ClinVar aggregate classification (germline): Uncertain significance. Review status: criteria provided, multiple submitters, no conflicts (2 of 4 stars). 2 submissions from 2 submitters: Uncertain significance (2). Last evaluated 2025-11-25.

Conditions:
Inborn genetic diseases. Identifiers: MedGen C0950123, MeSH D030342.

Allele frequency attached by ClinVar (database versions not stated): ExAC 0.00001; gnomAD 0.00003; TOPMed 0.00004.
gnomAD v4.1: 76 of 1,557,674 alleles (0.0049%); highest among the groups gnomAD compares: Non-Finnish European, 0.0061%; no homozygotes.

Submissions (2):

Labcorp Genetics (formerly Invitae), Labcorp
Classification: Uncertain significance. Last evaluated: 2025-11-25. Review status: criteria provided, single submitter. Criteria: Invitae Variant Classification Sherloc (09022015). Collection method: clinical testing. Allele origin: germline.
Comment: This sequence change replaces glycine, which is neutral and non-polar, with arginine, which is basic and polar, at codon 1588 of the DCHS1 protein (p.Gly1588Arg). The frequency data for this variant in the population databases is considered unreliable, as metrics indicate poor data quality at this position in the gnomAD database. This variant has not been reported in the literature in individuals affected with DCHS1-related conditions. ClinVar contains an entry for this variant (Variation ID: 2165219). Invitae Evidence Modeling of protein sequence and biophysical properties (such as structural, functional, and spatial information, amino acid conservation, physicochemical variation, residue mobility, and thermodynamic stability) indicates that this missense variant is not expected to disrupt DCHS1 protein function with a negative predictive value of 80%. In summary, the available evidence is currently insufficient to determine the role of this variant in disease. Therefore, it has been classified as a Variant of Uncertain Significance.

Ambry Genetics
Classification: Uncertain significance for Inborn genetic diseases. Last evaluated: 2024-12-11. Review status: criteria provided, single submitter. Criteria: Ambry Variant Classification Scheme 2023. Collection method: clinical testing. Allele origin: germline.

NM_003737.4(DCHS1):c.4762G>A (p.Gly1588Arg)

Gene: DCHS1 (dachsous cadherin-related 1; minus strand). Cytogenetic location: 11p15.4.
Variant type: single nucleotide variant.
Coding change: c.4762G>A on transcript NM_003737.4 (MANE Select); coding-DNA position 4762, G replaced by A.
Protein change: p.Gly1588Arg; replaces glycine 1588 with arginine.
Molecular consequence: missense variant.
Genome position (GRCh38, 1-based): chr11:6,630,032, C>T on the plus strand (G>A on the coding strand, the complement: DCHS1 is on the minus strand). VCF-style: chr11-6630032-C-T. GRCh37 (hg19) VCF-style: chr11-6651263-C-T.
Other names: c.4762G>A (NM_003737.2); short protein forms G1588R.
Identifiers: ClinVar variation 2165219 (VCV002165219.5), dbSNP rs777207589, ClinGen allele CA5860289.